The following is an entry in ClinVar:

ClinVar aggregate classification (germline): Uncertain significance (1 of 4 stars; one submission).

Submission:

CeGaT Center for Human Genetics Tuebingen
Classification: Uncertain significance. Last evaluated: 2023-03-01. Review status: criteria provided, single submitter. Criteria: CeGaT Center For Human Genetics Tuebingen Variant Classification Criteria Version 2. Collection method: clinical testing. Allele origin: germline. Affected: yes. Observed: 1 variant allele.
Comment: SETD2: PM2, BP4

NM_014159.7(SETD2):c.6679C>T (p.Pro2227Ser)

Gene: SETD2 (SET domain containing 2, histone lysine methyltransferase; minus strand). Cytogenetic location: 3p21.31.
Variant type: single nucleotide variant.
Coding change: c.6679C>T on transcript NM_014159.7 (MANE Select); coding-DNA position 6679, C replaced by T.
Protein change: p.Pro2227Ser; replaces proline 2227 with serine.
Molecular consequence: missense variant. On other transcripts: non-coding transcript variant (1).
Genome position (GRCh38, 1-based): chr3:47,057,105, G>A on the plus strand (C>T on the coding strand, the complement: SETD2 is on the minus strand). VCF-style: chr3-47057105-G-A. GRCh37 (hg19) VCF-style: chr3-47098595-G-A.
Other names: c.6547C>T, p.Pro2183Ser (NM_001349370.3); short protein forms P2183S, P2227S.
Identifiers: ClinVar variation 2653741 (VCV002653741.24), dbSNP rs2040117788, ClinGen allele CA352520287.